The following is an entry in ClinVar:

NM_020297.4(ABCC9):c.3669+5G>A

Genes: ABCC9 (ATP binding cassette subfamily C member 9; minus strand), KCNJ8-AS1 (KCNJ8 antisense RNA 1; plus strand). Cytogenetic location: 12p12.1.
Variant type: single nucleotide variant.
Coding change: c.3669+5G>A on transcript NM_020297.4 (MANE Select); 5 bases into the intron after coding-DNA position 3669, G replaced by A.
Molecular consequence: intron variant.
Genome position (GRCh38, 1-based): chr12:21,828,953, C>T on the plus strand (G>A on the coding strand, the complement: ABCC9 is on the minus strand). VCF-style: chr12-21828953-C-T. GRCh37 (hg19) VCF-style: chr12-21981887-C-T.
Other names: c.2802+5G>A (NM_001377274.1); c.3669+5G>A (NM_005691.4, NM_001377273.1).
Identifiers: ClinVar variation 2039847 (VCV002039847.5), dbSNP rs754952366, ClinGen allele CA6481067.

ClinVar aggregate classification (germline): Uncertain significance. Review status: criteria provided, multiple submitters, no conflicts (2 of 4 stars). 2 submissions from 2 submitters: Uncertain significance (2). Last evaluated 2025-11-12.

Conditions:
Dilated cardiomyopathy 1O (CMD1O). Also called: CARDIOMYOPATHY, DILATED, WITH VENTRICULAR TACHYCARDIA. Identifiers: Orphanet 154, MedGen C1837839, MONDO:0012062, OMIM 608569.

Allele frequency attached by ClinVar (database versions not stated): gnomAD exomes below 0.00001; ExAC 0.00002.
gnomAD v4.1: 7 of 1,611,056 alleles (0.00043%); highest among the groups gnomAD compares: East Asian, 0.0022%; no homozygotes.

Submissions (2):

Labcorp Genetics (formerly Invitae), Labcorp
Classification: Uncertain significance for Dilated cardiomyopathy 1O. Last evaluated: 2025-11-12. Review status: criteria provided, single submitter. Criteria: Invitae Variant Classification Sherloc (09022015). Collection method: clinical testing. Allele origin: germline.
Comment: This sequence change falls in intron 29 of the ABCC9 gene. It does not directly change the encoded amino acid sequence of the ABCC9 protein. It affects a nucleotide within the consensus splice site. This variant is present in population databases (rs754952366, gnomAD 0.004%). This variant has not been reported in the literature in individuals affected with ABCC9-related conditions. ClinVar contains an entry for this variant (Variation ID: 2039847). Variants that disrupt the consensus splice site are a relatively common cause of aberrant splicing (PMID: 17576681, 9536098). Algorithms developed to predict the effect of sequence changes on RNA splicing suggest that this variant may disrupt the consensus splice site. In summary, the available evidence is currently insufficient to determine the role of this variant in disease. Therefore, it has been classified as a Variant of Uncertain Significance.

Blueprint Genetics
Classification: Uncertain significance. Last evaluated: 2023-12-27. Review status: criteria provided, single submitter. Criteria: ACMG Guidelines, 2015. Collection method: clinical testing. Allele origin: germline.

Literature cited by the submitters: PubMed 17576681 (cited by Labcorp Genetics (formerly Invitae), Labcorp); PubMed 9536098 (cited by Labcorp Genetics (formerly Invitae), Labcorp).